The following is an entry in ClinVar:

NM_006939.4(SOS2):c.2786-1G>A

Gene: SOS2 (SOS Ras/Rho guanine nucleotide exchange factor 2; minus strand). Cytogenetic location: 14q21.3.
Variant type: single nucleotide variant.
Coding change: c.2786-1G>A on transcript NM_006939.4 (MANE Select); the canonical splice acceptor site of the intron before coding-DNA position 2786, G replaced by A.
Molecular consequence: splice acceptor variant.
Genome position (GRCh38, 1-based): chr14:50,138,785, C>T on the plus strand (G>A on the coding strand, the complement: SOS2 is on the minus strand). VCF-style: chr14-50138785-C-T. GRCh37 (hg19) VCF-style: chr14-50605503-C-T.
Other names: c.2687-1G>A (NM_001411020.1).
Identifiers: ClinVar variation 2881682 (VCV002881682.3), dbSNP rs2502878711, ClinGen allele CA389642579.

ClinVar aggregate classification (germline): Uncertain significance (1 of 4 stars; one submission).

Conditions:
Noonan syndrome 9 (NS9). Identifiers: Orphanet 648, MedGen C4225282, MONDO:0014691, OMIM 616559.

Submission:

Labcorp Genetics (formerly Invitae), Labcorp
Classification: Uncertain significance for Noonan syndrome 9. Last evaluated: 2024-09-17. Review status: criteria provided, single submitter. Criteria: Invitae Variant Classification Sherloc (09022015). Collection method: clinical testing. Allele origin: germline.
Comment: This sequence change affects an acceptor splice site in intron 17 of the SOS2 gene. It is expected to disrupt RNA splicing. Variants that disrupt the donor or acceptor splice site typically lead to a loss of protein function (PMID: 16199547), however the current clinical and genetic evidence is not sufficient to establish whether loss-of-function variants in SOS2 cause disease. This variant is not present in population databases (gnomAD no frequency). This variant has not been reported in the literature in individuals affected with SOS2-related conditions. Algorithms developed to predict the effect of sequence changes on RNA splicing suggest that this variant may disrupt the consensus splice site. In summary, the available evidence is currently insufficient to determine the role of this variant in disease. Therefore, it has been classified as a Variant of Uncertain Significance.

Literature cited by the submitters: PubMed 16199547.